The following is an entry in ClinVar:

NM_000089.4(COL1A2):c.2403+3A>G

Gene: COL1A2 (collagen type I alpha 2 chain; plus strand). Cytogenetic location: 7q21.3.
Variant type: single nucleotide variant.
Coding change: c.2403+3A>G on transcript NM_000089.4 (MANE Select); 3 bases into the intron after coding-DNA position 2403, A replaced by G.
Molecular consequence: intron variant.
Genome position (GRCh38, 1-based): chr7:94,421,955, A>G. VCF-style: chr7-94421955-A-G. GRCh37 (hg19) VCF-style: chr7-94051267-A-G.
Identifiers: ClinVar variation 2194793 (VCV002194793.5), dbSNP rs766599387, ClinGen allele CA4347428.

ClinVar aggregate classification (germline): Uncertain significance. Review status: criteria provided, multiple submitters, no conflicts (2 of 4 stars). 2 submissions from 2 submitters: Uncertain significance (2). Last evaluated 2026-05-13.

Conditions:
Ehlers-Danlos syndrome, classic type, 1 (EDSCL1). Also called: Ehlers-Danlos Syndrome, Classic Type, COL5A1-Related; EHLERS-DANLOS SYNDROME, GRAVIS TYPE; EHLERS-DANLOS SYNDROME, SEVERE CLASSIC TYPE; Ehlers-Danlos syndrome, type 1; EDS I. Identifiers: MedGen C0268335, MONDO:0019567, OMIM 130000.
Osteogenesis imperfecta type I (OI1). Also called: OI, TYPE I; OSTEOGENESIS IMPERFECTA TARDA; OSTEOGENESIS IMPERFECTA WITH BLUE SCLERAE; Osteogenesis imperfecta type 1; Classic Non-deforming Osteogenesis Imperfecta with Blue Sclerae; Lobstein's Disease. Identifiers: Orphanet 216796, Orphanet 666, MedGen C0023931, MONDO:0008146, OMIM 166200. Disease mechanism: loss of function.

Allele frequency attached by ClinVar (database versions not stated): gnomAD exomes below 0.00001; TOPMed below 0.00001; ExAC 0.00001.
gnomAD v4.1: 1 of 1,613,940 alleles (0.000062%); highest among the groups gnomAD compares: Non-Finnish European, 0.000085%; no homozygotes.

Submissions (2):

Women's Health and Genetics/Laboratory Corporation of America, LabCorp
Classification: Uncertain significance. Last evaluated: 2026-05-13. Review status: criteria provided, single submitter. Criteria: LabCorp Variant Classification Summary - May 2015. Collection method: clinical testing. Allele origin: germline.
Comment: Variant summary: COL1A2 c.2403+3A>G alters a conserved nucleotide located close to a canonical splice site and therefore could affect mRNA splicing, leading to a significantly altered protein sequence. Several computational tools predict a significant impact on normal splicing: One predicts the variant abolishes a canonical 5' splicing donor site and three predict the variant weakens a canonical 5' donor site. However, these predictions have yet to be confirmed by functional studies. The variant was absent in 251120 control chromosomes. The available data on variant occurrences in the general population are insufficient to allow any conclusion about variant significance. To our knowledge, no occurrence of c.2403+3A>G in individuals affected with COL1A2-related conditions and no experimental evidence demonstrating its impact on protein function have been reported. ClinVar contains an entry for this variant (Variation ID: 2194793). Based on the evidence outlined above, the variant was classified as uncertain significance.

Labcorp Genetics (formerly Invitae), Labcorp
Classification: Uncertain significance for Osteogenesis imperfecta type I; Ehlers-Danlos syndrome, classic type, 1. Last evaluated: 2022-02-20. Review status: criteria provided, single submitter. Criteria: Invitae Variant Classification Sherloc (09022015). Collection method: clinical testing. Allele origin: germline.
Comment: This variant has not been reported in the literature in individuals affected with COL1A2-related conditions. In summary, the available evidence is currently insufficient to determine the role of this variant in disease. Therefore, it has been classified as a Variant of Uncertain Significance. Variants that disrupt the consensus splice site are a relatively common cause of aberrant splicing (PMID: 17576681, 9536098). Algorithms developed to predict the effect of sequence changes on RNA splicing suggest that this variant is not likely to affect RNA splicing. This variant is present in population databases (rs766599387, gnomAD 0.0009%). This sequence change falls in intron 39 of the COL1A2 gene. It does not directly change the encoded amino acid sequence of the COL1A2 protein. It affects a nucleotide within the consensus splice site.

Literature cited by the submitters: PubMed 17576681 (cited by Labcorp Genetics (formerly Invitae), Labcorp); PubMed 9536098 (cited by Labcorp Genetics (formerly Invitae), Labcorp).